The following is an entry in ClinVar:

NM_015272.5(RPGRIP1L):c.2122G>A (p.Gly708Ser)

Gene: RPGRIP1L (RPGRIP1 like; minus strand). Cytogenetic location: 16q12.2.
Variant type: single nucleotide variant.
Coding change: c.2122G>A on transcript NM_015272.5 (MANE Select); coding-DNA position 2122, G replaced by A.
Protein change: p.Gly708Ser; replaces glycine 708 with serine.
Molecular consequence: missense variant.
Genome position (GRCh38, 1-based): chr16:53,652,565, C>T on the plus strand (G>A on the coding strand, the complement: RPGRIP1L is on the minus strand). VCF-style: chr16-53652565-C-T. GRCh37 (hg19) VCF-style: chr16-53686477-C-T.
Other names: c.2122G>A (NM_015272.4, NM_015272.2); c.2122G>A, p.Gly708Ser (NM_001127897.4, NM_001308334.3, NM_001330538.2); short protein forms G708S.
Identifiers: ClinVar variation 991023 (VCV000991023.7), dbSNP rs565152814, ClinGen allele CA8057635.
Genomic context (GRCh38, chr16:53,652,565, plus strand): 5'-AAACACCCAAGGCTTATACATTGTACTTACCAATCAAACTTGCTGTACAAAATATTCGGC[C>T]GCTTTTTTCAAGAATTTCGTGAAATTTTAATTGACATGCTGCAATTGTTTCATATTCTGT-3'
Protein context (NP_056087.2, residues 698-718): LKFHEILEKS[Gly708Ser]RIFCTASLIG

ClinVar aggregate classification (germline): Conflicting classifications of pathogenicity. Review status: criteria provided, conflicting classifications (1 of 4 stars). 6 submissions from 6 submitters: Uncertain significance (4); Likely benign (1). 1 of the submissions does not count toward it. Last evaluated 2026-07-23.

Conditions:
Joubert syndrome 7 (JBTS7). Identifiers: Orphanet 220497, MedGen C1969053, MONDO:0012694, OMIM 611560.
Meckel syndrome, type 5 (MKS5). Identifiers: Orphanet 564, MedGen C1969052, MONDO:0012695, OMIM 611561.
COACH syndrome 3. Identifiers: MedGen C5436841, MONDO:0030862, OMIM 619113.
RPGRIP1L-related disorder. Also called: RPGRIP1L-related condition; RPGRIP1L-related disorders. Identifiers: MedGen CN239416.
Inborn genetic diseases. Identifiers: MedGen C0950123, MeSH D030342.
Meckel-Gruber syndrome. Also called: GRUBER SYNDROME; Dysencephalia splachnocystica; DYSENCEPHALIA SPLANCHNOCYSTICA. Identifiers: Orphanet 564, MedGen C0265215, MONDO:0018921.
Joubert syndrome. Also called: Familial aplasia of the vermis; JOUBERT-BOLTSHAUSER SYNDROME. Identifiers: Orphanet 475, MedGen C5979921, MONDO:0018772.

Allele frequency attached by ClinVar (database versions not stated): TOPMed 0.00001; gnomAD 0.00002 and 0.00003; gnomAD exomes 0.00002 and 0.00008; ExAC 0.00008; 1000 Genomes Project 30x 0.00031; 1000 Genomes Project 0.00040.
gnomAD v4.1: 35 of 1,613,908 alleles (0.0022%); highest among the groups gnomAD compares: East Asian, 0.045%; no homozygotes.

Submissions (6):

PreventionGenetics, part of Exact Sciences
Classification: Uncertain significance for RPGRIP1L-related condition. Last evaluated: 2026-07-23. Review status: criteria provided, single submitter. Criteria: ACMG Guidelines, 2015. Collection method: clinical testing. Allele origin: germline.
Comment: The RPGRIP1L c.2122G>A variant is predicted to result in the amino acid substitution p.Gly708Ser. This variant was reported in an individual within a congenital diaphragmatic hernia cohort (Table S2, Qiao et al. 2021. PubMed ID: 34547244). This variant is reported in 0.095% of alleles in individuals of East Asian descent in gnomAD. At this time, the clinical significance of this variant is uncertain due to the absence of conclusive functional and genetic evidence.

Ambry Genetics
Classification: Likely benign for Inborn genetic diseases. Last evaluated: 2025-05-09. Review status: criteria provided, single submitter. Criteria: Ambry Variant Classification Scheme 2023. Collection method: clinical testing. Allele origin: germline.

Blueprint Genetics
Classification: Uncertain significance. Last evaluated: 2024-09-04. Review status: criteria provided, single submitter. Criteria: ACMG Guidelines, 2015. Collection method: clinical testing. Allele origin: germline.

Fulgent Genetics
Classification: Uncertain significance for Joubert syndrome 7; Meckel syndrome, type 5; COACH syndrome 3. Last evaluated: 2024-06-18. Review status: criteria provided, single submitter. Criteria: ACMG Guidelines, 2015. Collection method: clinical testing. Allele origin: germline.

Labcorp Genetics (formerly Invitae), Labcorp
Classification: Uncertain significance for Joubert syndrome; Meckel-Gruber syndrome. Last evaluated: 2022-08-16. Review status: criteria provided, single submitter. Criteria: Invitae Variant Classification Sherloc (09022015). Collection method: clinical testing. Allele origin: germline.
Comment: This sequence change replaces glycine, which is neutral and non-polar, with serine, which is neutral and polar, at codon 708 of the RPGRIP1L protein (p.Gly708Ser). This variant is present in population databases (rs565152814, gnomAD 0.1%). This variant has not been reported in the literature in individuals affected with RPGRIP1L-related conditions. ClinVar contains an entry for this variant (Variation ID: 991023). Algorithms developed to predict the effect of missense changes on protein structure and function output the following: SIFT: "Tolerated"; PolyPhen-2: "Possibly Damaging"; Align-GVGD: "Class C0". The serine amino acid residue is found in multiple mammalian species, which suggests that this missense change does not adversely affect protein function. In summary, the available evidence is currently insufficient to determine the role of this variant in disease. Therefore, it has been classified as a Variant of Uncertain Significance.

Natera, Inc.
Classification: Uncertain significance for Joubert syndrome. Last evaluated: 2020-09-30. Review status: no assertion criteria provided. Collection method: clinical testing. Allele origin: germline. Not counted in ClinVar's aggregate classification.